The following is an entry in ClinVar:

NM_000157.4(GBA1):c.1255G>A (p.Asp419Asn)

Genes: GBA1 (glucosylceramidase beta 1; minus strand), LOC106627981 (GBA recombination region; plus strand). Cytogenetic location: 1q22.
Variant type: single nucleotide variant.
Coding change: c.1255G>A on transcript NM_000157.4 (MANE Select); coding-DNA position 1255, G replaced by A.
Protein change: p.Asp419Asn; replaces aspartic acid 419 with asparagine.
Molecular consequence: missense variant.
Genome position (GRCh38, 1-based): chr1:155,235,814, C>T on the plus strand (G>A on the coding strand, the complement: GBA1 is on the minus strand). VCF-style: chr1-155235814-C-T. GRCh37 (hg19) VCF-style: chr1-155205605-C-T.
Other names: c.1255G>A, p.Asp419Asn (NM_001005741.3, NM_001005742.3); c.994G>A, p.Asp332Asn (NM_001171811.2); c.1108G>A, p.Asp370Asn (NM_001171812.2); c.1255G>A (NM_001005741.2, NM_000157.3); short protein forms D332N, D370N, D419N.
Identifiers: ClinVar variation 1184271 (VCV001184271.4), dbSNP rs1671712475, ClinGen allele CA342713897.
Genomic context (GRCh38, chr1:155,235,814, plus strand): 5'-TGTCGACAAAGTTACGCACCCAATTGGGTCCTCCTTCGGGGTTCAGGGCAAGGTTCCAGT[C>T]GGTCCAGCCGACCACATGGTACAGGAGGTTCTAGGGTAAGGACAAAGGCAAAGAGACAAA-3'
Protein context (NP_000148.2, residues 409-429): NLLYHVVGWT[Asp419Asn]WNLALNPEGG

ClinVar aggregate classification (germline): Pathogenic/Likely pathogenic. Review status: criteria provided, multiple submitters, no conflicts (2 of 4 stars). 3 submissions from 3 submitters: Pathogenic (1); Likely pathogenic (1). 1 of the submissions does not count toward it. Last evaluated 2025-09-30.

Conditions:
GBA1-related disorder. Also called: GBA1-related condition.
Gaucher disease type I (GD1). Also called: ACID BETA-GLUCOSIDASE DEFICIENCY; Type 1 Gaucher Disease; GD 1; Gaucher's disease, type 1; GAUCHER DISEASE, NONCEREBRAL JUVENILE; GBA DEFICIENCY. Identifiers: Orphanet 355, Orphanet 77259, MedGen C1961835, MONDO:0009265, OMIM 230800.
Gaucher disease. Also called: Acute cerebral Gaucher disease; Cerebroside lipidosis syndrome; Gaucher splenomegaly; Sphingolipidosis 1; Glucocerebrosidosis; Glucosylceramidase deficiency. Identifiers: Orphanet 355, MedGen C0017205, MONDO:0018150.

Allele frequency attached by ClinVar (database versions not stated): gnomAD exomes below 0.00001.
gnomAD v4.1: 5 of 1,614,218 alleles (0.00031%); highest among the groups gnomAD compares: East Asian, 0.0045%; no homozygotes.

Submissions (3):

Natera, Inc.
Classification: Pathogenic for Gaucher disease. Last evaluated: 2025-09-30. Review status: criteria provided, single submitter. Criteria: Natera Variant Classification Schema (03/2026). Collection method: clinical testing. Allele origin: germline.
Comment: The c.1255G>A variant in GBA1 is a missense variant predicted to cause substitution of aspartic acid to asparagine at amino acid 419. This variant is rare in the general population with a frequency below the threshold expected for the associated phenotype(s). This variant has been observed in one or more individuals affected with the associated recessive disease, as either homozygous or compound heterozygous with a second variant (PMID: 17427031, 8790604, 21982627, 26327947, 24022302). Functional studies show that this variant may disrupt protein function (PMID: 24022302). A different variant at the same position has been determined to be Pathogenic or Likely Pathogenic. Computational prediction algorithms indicate this variant is likely to affect gene or protein function. Given the available evidence, this variant is classified as Pathogenic.

NxGen MDx
Classification: Likely pathogenic for Gaucher disease type I. Last evaluated: 2019-12-06. Review status: criteria provided, single submitter. Criteria: ACMG Guidelines, 2015. Collection method: clinical testing. Allele origin: unknown.
Comment: This missense variant (c.1255G>A) is in a hot-spot on exon 10 of GBA (PM1) and results in the replacement of aspartate with asparagine (p.Asp419Asn) which have similar sizes but differ in physicochemical properties. Also reported as D380N in the literature. Other variants at this locus such as p.Asp419Ala and p.Asp419His are classified as pathogenic (PM5). UniProt classifies this variant as disease-associated based on a clinical report by Beutler & Gelbart (PMID 8790604) (PP5). A functional study by Malini et al. (PMID 24022302) demonstrated no residual activity with this variant. In silico models predict pathogenicity (PP3) and this variant is not found in gnomAD databases (PM2). We interpret c.1255G>A to be likely pathogenic.

PreventionGenetics, part of Exact Sciences
Classification: Likely pathogenic for GBA1-related condition. Last evaluated: 2024-07-30. Review status: no assertion criteria provided. Collection method: clinical testing. Allele origin: germline. Not counted in ClinVar's aggregate classification.
Comment: The GBA1 c.1255G>A variant is predicted to result in the amino acid substitution p.Asp419Asn. This variant was reported together with second GBA1 variant in at least two individuals with Gaucher disease (Table 4, as c.1255G>A, p.Asp380Asn, Beutler et al. 1994. PubMed ID: 8790604; Table 3, Malini et al. 2013. PubMed ID: 24022302). In vitro functional study showed that this variant completely abolishes GBA1 enzymatic activity (Figure 1, Malini et al. 2013. PubMed ID: 24022302). This variant has not been reported in a large population database, indicating this variant is rare. This variant is interpreted as likely pathogenic.

Literature cited by the submitters: PubMed 17427031 (cited by Natera, Inc.); PubMed 8790604 (cited by Natera, Inc. and NxGen MDx); PubMed 21982627 (cited by Natera, Inc.); PubMed 26327947 (cited by Natera, Inc.); PubMed 24022302 (cited by Natera, Inc. and NxGen MDx).